The following is an entry in ClinVar:

ClinVar aggregate classification (germline): Uncertain significance (1 of 4 stars; one submission).

Submission:

Labcorp Genetics (formerly Invitae), Labcorp
Classification: Uncertain significance. Last evaluated: 2022-07-18. Review status: criteria provided, single submitter. Criteria: Invitae Variant Classification Sherloc (09022015). Collection method: clinical testing. Allele origin: germline.
Comment: A copy number gain of the genomic region encompassing the full coding sequence of the PLAA gene has been identified. The boundaries of this event are unknown as they extend beyond the assayed region for this gene and therefore may encompass additional genes. As the precise location of this event is unknown, it may be in tandem or it may be located elsewhere in the genome. This variant has not been reported in the literature in individuals affected with PLAA-related conditions. In summary, the available evidence is currently insufficient to determine the role of this variant in disease. Therefore, it has been classified as a Variant of Uncertain Significance.

NC_000009.11:g.(?_26905509)_(26947043_?)dup

Genes: IFT74 (intraflagellar transport 74; plus strand), PLAA (phospholipase A2 activating protein; minus strand). Cytogenetic location: 9p21.2.
Variant type: Duplication.
Identifiers: ClinVar variation 2423499 (VCV002423499.3).